The following is an entry in ClinVar:

ClinVar aggregate classification (germline): Uncertain significance. Review status: criteria provided, multiple submitters, no conflicts (2 of 4 stars). 8 submissions from 8 submitters: Uncertain significance (7). 1 of the submissions does not count toward it. Last evaluated 2026-01-19.

Conditions:
Hereditary cancer-predisposing syndrome. Also called: Neoplastic Syndromes, Hereditary; Hereditary Cancer Syndrome; Tumor predisposition; Hereditary neoplastic syndrome. Identifiers: Orphanet 140162, MedGen C0027672, MeSH D009386, MONDO:0015356.
Familial adenomatous polyposis 2. Also called: MUTYH-associated polyposis; MUTYH Polyposis; FAP type 2; Adenomas, multiple colorectal; COLORECTAL ADENOMATOUS POLYPOSIS, AUTOSOMAL RECESSIVE; ADENOMAS, MULTIPLE COLORECTAL, AUTOSOMAL RECESSIVE. Identifiers: Orphanet 220460, Orphanet 247798, MedGen C3272841, MONDO:0012041, OMIM 608456.

Allele frequency attached by ClinVar (database versions not stated): TOPMed below 0.00001; gnomAD 0.00001; gnomAD exomes 0.00001 and below 0.00001; ExAC 0.00002.

Submissions (8):

Labcorp Genetics (formerly Invitae), Labcorp
Classification: Uncertain significance for Familial adenomatous polyposis 2. Last evaluated: 2026-01-19. Review status: criteria provided, single submitter. Criteria: Invitae Variant Classification Sherloc (09022015). Collection method: clinical testing. Allele origin: germline.
Comment: This sequence change replaces leucine, which is neutral and non-polar, with valine, which is neutral and non-polar, at codon 436 of the MUTYH protein (p.Leu436Val). This variant is present in population databases (rs587782043, gnomAD 0.002%). This missense change has been observed in individual(s) with MUTYH-associated polyposis (PMID: 27829682). ClinVar contains an entry for this variant (Variation ID: 141833). An algorithm developed to predict the effect of missense changes on protein structure and function (PolyPhen-2) suggests that this variant is likely to be tolerated. In summary, the available evidence is currently insufficient to determine the role of this variant in disease. Therefore, it has been classified as a Variant of Uncertain Significance.

GeneDx
Classification: Uncertain significance. Last evaluated: 2024-12-17. Review status: criteria provided, single submitter. Criteria: GeneDx Variant Classification Process June 2021. Collection method: clinical testing. Allele origin: germline. Affected: yes.
Comment: Not observed at significant frequency in large population cohorts (gnomAD); In silico analysis indicates that this missense variant does not alter protein structure/function; This variant is associated with the following publications: (PMID: 23108399, 39518056, 27829682)

Quest Diagnostics Nichols Institute San Juan Capistrano
Classification: Uncertain significance. Last evaluated: 2024-12-11. Review status: criteria provided, single submitter. Criteria: Quest Diagnostics criteria. Collection method: clinical testing. Allele origin: unknown.
Comment: The MUTYH c.1306C>G (p.Leu436Val) variant has been reported in the published literature in an individual with suspected MUTYH-associated polyposis (PMID: 27829682 (2016)). The frequency of this variant in the general population (Genome Aggregation Database) is uninformative in the assessment of its pathogenicity. Analysis of this variant using bioinformatics tools for the prediction of the effect of amino acid changes on protein structure and function yielded predictions that this variant is benign. Based on the available information, we are unable to determine the clinical significance of this variant.

Institute for Biomarker Research, Medical Diagnostic Laboratories, L.L.C.
Classification: Uncertain significance for Hereditary cancer-predisposing syndrome. Last evaluated: 2024-04-09. Review status: criteria provided, single submitter. Criteria: ACMG Guidelines, 2015. Collection method: clinical testing. Allele origin: germline.

Ambry Genetics
Classification: Uncertain significance for Hereditary cancer-predisposing syndrome. Last evaluated: 2024-03-19. Review status: criteria provided, single submitter. Criteria: Ambry Variant Classification Scheme 2023. Collection method: clinical testing. Allele origin: germline.
Comment: The p.L436V variant (also known as c.1306C>G), located in coding exon 13 of the MUTYH gene, results from a C to G substitution at nucleotide position 1306. The leucine at codon 436 is replaced by valine, an amino acid with highly similar properties. This variant has been reported in 1/299 Italian individuals with suspected MUTYH-associated polyposis (MAP) (Ricci MT et al. J. Hum. Genet., 2017 Feb;62:309-315). This amino acid position is well conserved in available vertebrate species. In addition, the in silico prediction for this alteration is inconclusive. Since supporting evidence is limited at this time, the clinical significance of this alteration remains unclear.

All of Us Research Program, National Institutes of Health
Classification: Uncertain significance for Familial adenomatous polyposis 2. Last evaluated: 2023-12-13. Review status: criteria provided, single submitter. Criteria: ACMG Guidelines, 2015. Collection method: clinical testing. Allele origin: germline. Inheritance: Autosomal recessive inheritance. Observed: 1 variant allele, 1 heterozygote.
Comment: This missense variant replaces leucine with valine at codon 436 of the MUTYH protein. This variant is also known as c.1264C>G (p.Leu422Val) based on an alternative transcript (NM_001048171). Computational prediction suggests that this variant may not impact protein structure and function (internally defined REVEL score threshold <= 0.5, PMID: 27666373). Splice site prediction tools suggest that this variant may not impact RNA splicing. To our knowledge, functional studies have not been performed for this variant. This variant has been reported in an individual affected with colorectal cancer and/or colon polyp (PMID: 27829682). This variant has been identified in 2/251378 chromosomes in the general population by the Genome Aggregation Database (gnomAD). The available evidence is insufficient to determine the role of this variant in disease conclusively. Therefore, this variant is classified as a Variant of Uncertain Significance.

This study involves interpretation of variants in research participants for the purpose of population health screening. Participant phenotype was not available at the time of variant classification. Additional details can be found in publication PMID: 35346344, PMCID: PMC8962531

Color Diagnostics, LLC DBA Color Health
Classification: Uncertain significance for Hereditary cancer-predisposing syndrome. Last evaluated: 2020-02-19. Review status: criteria provided, single submitter. Criteria: ACMG Guidelines, 2015. Collection method: clinical testing. Allele origin: germline.
Comment: This missense variant replaces leucine with valine at codon 436 of the MUTYH protein. This variant is also known as c.1264C>G (p.Leu422Val) based on an alternative transcript (NM_001048171). Computational prediction suggests that this variant may not impact protein structure and function (internally defined REVEL score threshold <= 0.5, PMID: 27666373). Splice site prediction tools suggest that this variant may not impact RNA splicing. To our knowledge, functional studies have not been performed for this variant. This variant has been reported in an individual affected with colorectal cancer and/or colon polyp (PMID: 27829682). This variant has been identified in 2/251378 chromosomes in the general population by the Genome Aggregation Database (gnomAD). The available evidence is insufficient to determine the role of this variant in disease conclusively. Therefore, this variant is classified as a Variant of Uncertain Significance.

Counsyl
Classification: Uncertain significance for Familial adenomatous polyposis 2. Last evaluated: 2016-08-02. Review status: no assertion criteria provided. Collection method: clinical testing. Allele origin: unknown. Not counted in ClinVar's aggregate classification.

Literature cited by the submitters: PubMed 27829682 (cited by 4 submitters).

NM_001048174.2(MUTYH):c.1222C>G (p.Leu408Val)

Gene: MUTYH (mutY DNA glycosylase; minus strand). Cytogenetic location: 1p34.1.
Variant type: single nucleotide variant.
Coding change: c.1222C>G on transcript NM_001048174.2 (MANE Select); coding-DNA position 1222, C replaced by G.
Protein change: p.Leu408Val; replaces leucine 408 with valine.
Molecular consequence: missense variant. On other transcripts: non-coding transcript variant (2).
Genome position (GRCh38, 1-based): chr1:45,331,437, G>C on the plus strand (C>G on the coding strand, the complement: MUTYH is on the minus strand). VCF-style: chr1-45331437-G-C. GRCh37 (hg19) VCF-style: chr1-45797109-G-C.
Other names: c.1222C>G, p.Leu408Val (NM_001048171.2, NM_001048173.2, NM_001293195.2); c.1225C>G, p.Leu409Val (NM_001048172.2); c.1306C>G, p.Leu436Val (NM_001128425.2); c.1267C>G, p.Leu423Val (NM_001293190.2); c.1255C>G, p.Leu419Val (NM_001293191.2); c.946C>G, p.Leu316Val (NM_001293192.2, NM_001293196.2); c.877C>G, p.Leu293Val (NM_001350650.2, NM_001350651.2); c.1297C>G, p.Leu433Val (NM_012222.3); short protein forms L436V, L422V, L293V, L433V, L419V, L423V, L316V, L408V.
Identifiers: ClinVar variation 141833 (VCV000141833.29), dbSNP rs587782043, ClinGen allele CA012569.